The following is an entry in ClinVar:

NM_000373.4(UMPS):c.1211C>T (p.Ser404Phe)

Gene: UMPS (uridine monophosphate synthetase; plus strand). Cytogenetic location: 3q21.2.
Variant type: single nucleotide variant.
Coding change: c.1211C>T on transcript NM_000373.4 (MANE Select); coding-DNA position 1211, C replaced by T.
Protein change: p.Ser404Phe; replaces serine 404 with phenylalanine.
Molecular consequence: missense variant. On other transcripts: non-coding transcript variant (2).
Genome position (GRCh38, 1-based): chr3:124,742,204, C>T. VCF-style: chr3-124742204-C-T. GRCh37 (hg19) VCF-style: chr3-124461051-C-T.
Other names: short protein forms S404F.
Identifiers: ClinVar variation 661312 (VCV000661312.7), dbSNP rs547350809, ClinGen allele CA2581836.

ClinVar aggregate classification (germline): Uncertain significance. Review status: criteria provided, multiple submitters, no conflicts (2 of 4 stars). 2 submissions from 2 submitters: Uncertain significance (2). Last evaluated 2025-08-01.

Conditions:
Hereditary orotic aciduria, type 1. Also called: Orotic aciduria type 1; Oroticaciduria 1. Identifiers: MedGen C0268130.
Inborn genetic diseases. Identifiers: MedGen C0950123, MeSH D030342.

Allele frequency attached by ClinVar (database versions not stated): gnomAD 0.00001 and 0.00005; TOPMed 0.00001; gnomAD exomes 0.00005 and 0.00010; ExAC 0.00014; 1000 Genomes Project 30x 0.00062; 1000 Genomes Project 0.00080.
gnomAD v4.1: 84 of 1,614,056 alleles (0.0052%); highest among the groups gnomAD compares: South Asian, 0.083%; no homozygotes.

Submissions (2):

Ambry Genetics
Classification: Uncertain significance for Inborn genetic diseases. Last evaluated: 2025-08-01. Review status: criteria provided, single submitter. Criteria: Ambry Variant Classification Scheme 2023. Collection method: clinical testing. Allele origin: germline.

Labcorp Genetics (formerly Invitae), Labcorp
Classification: Uncertain significance for Hereditary orotic aciduria, type 1. Last evaluated: 2021-09-02. Review status: criteria provided, single submitter. Criteria: Invitae Variant Classification Sherloc (09022015). Collection method: clinical testing. Allele origin: germline.
Comment: This sequence change replaces serine with phenylalanine at codon 404 of the UMPS protein (p.Ser404Phe). The serine residue is moderately conserved and there is a large physicochemical difference between serine and phenylalanine. This variant is present in population databases (rs547350809, ExAC 0.1%). This variant has not been reported in the literature in individuals affected with UMPS-related conditions. Algorithms developed to predict the effect of missense changes on protein structure and function are either unavailable or do not agree on the potential impact of this missense change (SIFT: "Deleterious"; PolyPhen-2: "Possibly Damaging"; Align-GVGD: "Class C0"). In summary, the available evidence is currently insufficient to determine the role of this variant in disease. Therefore, it has been classified as a Variant of Uncertain Significance.